The following is an entry in ClinVar:

ClinVar aggregate classification (germline): Likely pathogenic (1 of 4 stars; one submission).

Submission:

Labcorp Genetics (formerly Invitae), Labcorp
Classification: Likely pathogenic. Last evaluated: 2025-09-08. Review status: criteria provided, single submitter. Criteria: Invitae Variant Classification Sherloc (09022015). Collection method: clinical testing. Allele origin: germline.
Comment: This sequence change affects an acceptor splice site in intron 9 of the TCF3 gene. It is expected to disrupt RNA splicing. Variants that disrupt the donor or acceptor splice site typically lead to a loss of protein function (PMID: 16199547), and loss-of-function variants in TCF3 are known to be pathogenic (PMID: 24216514, 30063982, 37277074). This variant is not present in population databases (gnomAD no frequency). This variant has not been reported in the literature in individuals affected with TCF3-related conditions. ClinVar contains an entry for this variant (Variation ID: 3662484). Algorithms developed to predict the effect of sequence changes on RNA splicing suggest that this variant may disrupt the consensus splice site. In summary, the currently available evidence indicates that the variant is pathogenic, but additional data are needed to prove that conclusively. Therefore, this variant has been classified as Likely Pathogenic.

Literature cited by the submitters: PubMed 16199547; PubMed 24216514; PubMed 30063982; PubMed 37277074.

NM_003200.5(TCF3):c.653-2A>G

Gene: TCF3 (transcription factor 3; minus strand). Cytogenetic location: 19p13.3.
Variant type: single nucleotide variant.
Coding change: c.653-2A>G on transcript NM_003200.5 (MANE Select); the canonical splice acceptor site of the intron before coding-DNA position 653, A replaced by G.
Molecular consequence: splice acceptor variant.
Genome position (GRCh38, 1-based): chr19:1,622,225, T>C on the plus strand (A>G on the coding strand, the complement: TCF3 is on the minus strand). VCF-style: chr19-1622225-T-C. GRCh37 (hg19) VCF-style: chr19-1622224-T-C.
Other names: c.653-2A>G (NM_001351778.2, NM_001136139.4, NM_001351779.2).
Identifiers: ClinVar variation 3662484 (VCV003662484.2).